The following is an entry in ClinVar:

NM_017649.5(CNNM2):c.1804C>T (p.Arg602Ter)

Gene: CNNM2 (cyclin and CBS domain divalent metal cation transport mediator 2; plus strand). Cytogenetic location: 10q24.32.
Variant type: single nucleotide variant.
Coding change: c.1804C>T on transcript NM_017649.5 (MANE Select); coding-DNA position 1804, C replaced by T.
Protein change: p.Arg602Ter; replaces arginine 602 with a stop codon.
Molecular consequence: nonsense.
Genome position (GRCh38, 1-based): chr10:103,054,367, C>T. VCF-style: chr10-103054367-C-T. GRCh37 (hg19) VCF-style: chr10-104814124-C-T.
Other names: c.1804C>T, p.Arg602Ter (NM_199076.3); c.1804C>T (NM_017649.4); short protein forms R602*.
Identifiers: ClinVar variation 1098410 (VCV001098410.5), dbSNP rs2134338484, ClinGen allele CA377958318.

ClinVar aggregate classification (germline): Likely pathogenic. Review status: criteria provided, multiple submitters, no conflicts (2 of 4 stars). 3 submissions from 3 submitters: Likely pathogenic (3). Last evaluated 2026-02-26.

Conditions:
Hypomagnesemia, seizures, and impaired intellectual development 1. Also called: Hypomagnesemia, seizures, and intellectual disability 1. Identifiers: Orphanet 34527, MedGen C4225333, MONDO:0020787, OMIM 616418.
Renal hypomagnesemia 6. Identifiers: Orphanet 34527, MedGen C3151295, MONDO:0013480, OMIM 613882.

Submissions (3):

GeneDx
Classification: Likely pathogenic. Last evaluated: 2026-02-26. Review status: criteria provided, single submitter. Criteria: GeneDx Variant Classification Process June 2021. Collection method: clinical testing. Allele origin: germline.
Comment: Nonsense variant predicted to result in protein truncation or nonsense mediated decay in a gene for which loss of function is a known mechanism of disease; Not observed at significant frequency in large population cohorts (gnomAD); Has not been previously published as pathogenic or benign to our knowledge

Fulgent Genetics
Classification: Likely pathogenic for Renal hypomagnesemia 6; Hypomagnesemia, seizures, and impaired intellectual development 1. Last evaluated: 2024-05-25. Review status: criteria provided, single submitter. Criteria: ACMG Guidelines, 2015. Collection method: clinical testing. Allele origin: germline.

Genetics Laboratory, UDIAT-Centre Diagnòstic, Hospital Universitari Parc Tauli
Classification: Likely pathogenic. Last evaluated: 2021-04-26. Review status: criteria provided, single submitter. Criteria: Parc Tauli Hospital Assertion Criteria 2021. Collection method: clinical testing. Allele origin: unknown. Inheritance: Autosomal dominant inheritance. Affected: yes. Observed: 1 heterozygote.
Comment: PVS1_very strong;PM2_supporting